The following is an entry in ClinVar:

NM_007294.4(BRCA1):c.4357+4T>G

Gene: BRCA1 (BRCA1 DNA repair associated; minus strand). Cytogenetic location: 17q21.31.
Variant type: single nucleotide variant.
Coding change: c.4357+4T>G on transcript NM_007294.4 (MANE Select); 4 bases into the intron after coding-DNA position 4357, T replaced by G.
Molecular consequence: intron variant.
Genome position (GRCh38, 1-based): chr17:43,082,400, A>C on the plus strand (T>G on the coding strand, the complement: BRCA1 is on the minus strand). VCF-style: chr17-43082400-A-C. GRCh37 (hg19) VCF-style: chr17-41234417-A-C.
Other names: c.907+4T>G (NM_001408458.1, NM_001408453.1, NM_001408461.1 and 8 more transcripts); c.3469+4T>G (NM_001407967.1, NM_001407966.1); c.3976+4T>G (NM_001407959.1, NM_001407960.1); c.4090+4T>G (NM_001407931.1, NM_001407932.1, NM_001407935.1 and 3 more transcripts); c.4213+4T>G (NM_001407747.1, NM_001407839.1, NM_001407745.1 and 23 more transcripts); c.3973+4T>G (NM_001407962.1, NM_001407963.1); c.544+4T>G (NM_001408512.1); c.667+4T>G (NM_001408510.1); and 51 more.
Identifiers: ClinVar variation 1739963 (VCV001739963.4), dbSNP rs1555583978, ClinGen allele CA2580093788.

ClinVar aggregate classification (germline): Uncertain significance. Review status: criteria provided, multiple submitters, no conflicts (2 of 4 stars). 2 submissions from 2 submitters: Uncertain significance (2). Last evaluated 2026-02-11.

Conditions:
Hereditary cancer-predisposing syndrome. Also called: Tumor predisposition; Hereditary Cancer Syndrome; Hereditary neoplastic syndrome; Neoplastic Syndromes, Hereditary. Identifiers: Orphanet 140162, MedGen C0027672, MeSH D009386, MONDO:0015356.
Hereditary breast ovarian cancer syndrome. Also called: Hereditary breast and ovarian cancer; Breast and ovarian cancer; Hereditary breast and ovarian cancer syndrome (HBOC); Hereditary breast and/or ovarian cancer syndrome; BRCA1- and BRCA2-Associated Hereditary Breast and Ovarian Cancer; Hereditary breast and ovarian cancer syndrome. Identifiers: Orphanet 145, MedGen C0677776, MeSH D061325, MONDO:0003582. Disease mechanism: loss of function.

Submissions (2):

Ambry Genetics
Classification: Uncertain significance for Hereditary cancer-predisposing syndrome. Last evaluated: 2026-02-11. Review status: criteria provided, single submitter. Criteria: Ambry Variant Classification Scheme 2023. Collection method: clinical testing. Allele origin: germline.
Comment: The c.4357+4T>G intronic variant results from a T to G substitution 4 nucleotides after coding exon 11 in the BRCA1 gene. This nucleotide position is well conserved in available vertebrate species. In silico splice site analysis predicts that this alteration will not have any significant effect on splicing. Based on the available evidence, the clinical significance of this variant remains unclear.

Labcorp Genetics (formerly Invitae), Labcorp
Classification: Uncertain significance for Hereditary breast ovarian cancer syndrome. Last evaluated: 2025-08-04. Review status: criteria provided, single submitter. Criteria: Invitae Variant Classification Sherloc (09022015). Collection method: clinical testing. Allele origin: germline.
Comment: This sequence change falls in intron 12 of the BRCA1 gene. It does not directly change the encoded amino acid sequence of the BRCA1 protein. It affects a nucleotide within the consensus splice site. This variant is not present in population databases (gnomAD no frequency). This variant has not been reported in the literature in individuals affected with BRCA1-related conditions. ClinVar contains an entry for this variant (Variation ID: 1739963). Variants that disrupt the consensus splice site are a relatively common cause of aberrant splicing (PMID: 17576681, 9536098). Algorithms developed to predict the effect of sequence changes on RNA splicing suggest that this variant is not likely to affect RNA splicing. In summary, the available evidence is currently insufficient to determine the role of this variant in disease. Therefore, it has been classified as a Variant of Uncertain Significance.

Literature cited by the submitters: PubMed 17576681 (cited by Labcorp Genetics (formerly Invitae), Labcorp); PubMed 9536098 (cited by Labcorp Genetics (formerly Invitae), Labcorp).